The following is an entry in ClinVar:

ClinVar aggregate classification (germline): Pathogenic (1 of 4 stars; one submission).

Conditions:
Autosomal dominant nonsyndromic hearing loss 15 (DFNA15). Also called: Autosomal dominant nonsyndromic hearing loss 52; DEAFNESS, AUTOSOMAL DOMINANT 52. Identifiers: Orphanet 90635, MedGen C1865366, MONDO:0011226, OMIM 602459.

Submission:

Precision Medicine Center, Zhengzhou University
Classification: Pathogenic for Autosomal dominant nonsyndromic hearing loss 15. Last evaluated: 2006-06-30. Review status: criteria provided, single submitter. Criteria: ClinGen HL ACMG Specifications v1. Collection method: clinical testing. Allele origin: maternal. Affected: yes.
Comment: PVS1+PM2+PP1:The POU4F3 c.494dup variant is a duplication predicted to cause a frameshift, resulting in a premature termination codon and likely leading to nonsense-mediated mRNA decay or production of a truncated protein. Haploinsufficiency (loss of function) is an established disease mechanism for POU4F3-related autosomal dominant hearing loss; therefore, this variant meets the PVS1 criterion. The variant is absent or extremely rare in population databases, including gnomAD, supporting its rarity in the general population (PM2). In addition, the variant co-segregates with hearing loss in affected family members, providing evidence of segregation (PP1). Based on the ACMG/AMP guidelines, this variant meets the criteria PVS1, PM2, and PP1, and is therefore classified as Pathogenic.

Literature cited by the submitters: PubMed 30192042.

NM_002700.3(POU4F3):c.494dup (p.His165fs)

Genes: POU4F3 (POU class 4 homeobox 3; plus strand), RBM27-POU4F3 (RBM27-POU4F3 readthrough; plus strand). Cytogenetic location: 5q32.
Variant type: Duplication.
Coding change: c.494dup on transcript NM_002700.3 (MANE Select); coding-DNA position 494, one base duplicated (A; older notation c.494dupA).
Protein change: p.His165fs; shifts the reading frame from histidine 165.
Molecular consequence: frameshift variant. On other transcripts: 3 prime UTR variant (1).
Genome position (GRCh38, 1-based): chr5:146,339,921, A duplicated. VCF-style (leftmost placement, unchanged base first): chr5-146339920-C-CA. GRCh37 (hg19) VCF-style: chr5-145719483-C-CA.
Other names: c.*363dup (NM_001414499.1); short protein forms H165fs.
Identifiers: ClinVar variation 4857381 (VCV004857381.1).